The following is an entry in ClinVar:

NM_000104.4(CYP1B1):c.346_363del (p.Asp116_Ala121del)

Gene: CYP1B1 (cytochrome P450 family 1 subfamily B member 1; minus strand). Cytogenetic location: 2p22.2.
Variant type: Deletion.
Coding change: c.346_363del on transcript NM_000104.4 (MANE Select); coding-DNA positions 346 to 363, 18 bases deleted (GACCGGCCGGCCTTCGCC).
Protein change: p.Asp116_Ala121del.
Genome position (GRCh38, 1-based): chr2:38,075,026-38,075,043, GGCGAAGGCCGGCCGGTC deleted on the plus strand (GACCGGCCGGCCTTCGCC on the coding strand, the reverse complement: CYP1B1 is on the minus strand); deleting any 18 consecutive bases within chr2:38,075,026-38,075,054 gives the same sequence; the c. name uses the placement nearest the transcript's 3' end. VCF-style (leftmost placement, unchanged base first): chr2-38075025-AGGCGAAGGCCGGCCGGTC-A. GRCh37 (hg19) VCF-style: chr2-38302168-AGGCGAAGGCCGGCCGGTC-A.
Other names: c.346_363del (NM_000104.3).
Identifiers: ClinVar variation 2681129 (VCV002681129.8), dbSNP rs753591839, ClinGen allele CA1620048.
Genomic context (GRCh38, chr2:38,075,025, plus strand): 5'-TCCAGTGCTCCGAGTAGTGGCCGAAAGCCATGCTGCGGCCGCCGGACACCACACGGAAGG[AGGCGAAGGCCGGCCGGTC>A]GGCGAAGGCCGAGCCCTGCTGCACCAGGGCCTGGTGGATGGCGCGCTCGCCATTCAGCAC-3'

ClinVar aggregate classification (germline): Pathogenic/Likely pathogenic. Review status: criteria provided, multiple submitters, no conflicts (2 of 4 stars). 4 submissions from 4 submitters: Pathogenic (2); Likely pathogenic (2). Last evaluated 2025-03-27.

Conditions:
Congenital glaucoma. Identifiers: MedGen C0020302, MONDO:0020366.
Anterior segment dysgenesis 6 (ASGD6). Also called: Anterior segment dysgenesis 6, multiple subtypes. Identifiers: MedGen C4310623, MONDO:0015016, OMIM 617315.

Submissions (4):

Dasa
Classification: Likely pathogenic. Last evaluated: 2025-03-27. Review status: criteria provided, single submitter. Criteria: DASA Assertion Criteria. Collection method: clinical testing. Allele origin: germline.
Comment: NM_000104.4(CYP1B1):c.346_363del (p.Asp116_Ala121del) is an in-frame deletion predicted to remove amino acids from aspartic acid at protein position 116 through alanine at protein position 121 without shifting the reading frame. This variant has been reported in individuals with CYP1B1-related disorders (PMID: 27820421). Also, this variant is rare in population databases. Based on the currently available evidence, this variant is classified as likely pathogenic.

Labcorp Genetics (formerly Invitae), Labcorp
Classification: Pathogenic for Congenital glaucoma. Last evaluated: 2024-02-17. Review status: criteria provided, single submitter. Criteria: Invitae Variant Classification Sherloc (09022015). Collection method: clinical testing. Allele origin: germline.
Comment: This variant, c.346_363del, results in the deletion of 6 amino acid(s) of the CYP1B1 protein (p.Asp116_Ala121del), but otherwise preserves the integrity of the reading frame. This variant is present in population databases (rs753591839, gnomAD 0.003%). This variant has been observed in individual(s) with primary congenital glaucoma (PMID: 27820421). This variant disrupts a region of the CYP1B1 protein in which other variant(s) (p.Arg117Leu) have been determined to be pathogenic (PMID: 17893647, 27243976; Invitae). This suggests that this is a clinically significant region of the protein, and that variants that disrupt it are likely to be disease-causing. For these reasons, this variant has been classified as Pathogenic.

Baylor Genetics
Classification: Likely pathogenic for Anterior segment dysgenesis 6. Last evaluated: 2024-01-11. Review status: criteria provided, single submitter. Criteria: ACMG Guidelines, 2015. Collection method: clinical testing. Allele origin: unknown.

GeneDx
Classification: Pathogenic. Last evaluated: 2023-09-13. Review status: criteria provided, single submitter. Criteria: GeneDx Variant Classification Process June 2021. Collection method: clinical testing. Allele origin: germline. Affected: yes.
Comment: In-frame deletion of six amino acids in a non-repeat region predicted to critically alter the protein; Not observed at significant frequency in large population cohorts (gnomAD); This variant is associated with the following publications: (PMID: 27820421)

Literature cited by the submitters: PubMed 27820421 (cited by Dasa and Labcorp Genetics (formerly Invitae), Labcorp); PubMed 17893647 (cited by Labcorp Genetics (formerly Invitae), Labcorp); PubMed 27243976 (cited by Labcorp Genetics (formerly Invitae), Labcorp).